The following is an entry in ClinVar:

ClinVar aggregate classification (germline): Pathogenic. Review status: criteria provided, multiple submitters, no conflicts (2 of 4 stars). 2 submissions from 2 submitters: Pathogenic (2). Last evaluated 2025-07-03.

Conditions:
Neurodevelopmental disorder with or without autism or seizures (NEDAUS). Identifiers: MedGen C5543225, MONDO:0030994, OMIM 619239.

Submissions (2):

3billion
Classification: Pathogenic for Neurodevelopmental disorder with or without autism or seizures. Last evaluated: 2025-07-03. Review status: criteria provided, single submitter. Criteria: ACMG Guidelines, 2015. Collection method: clinical testing. Allele origin: germline. Affected: yes.
Comment: The variant is not observed in the gnomAD v4.1.0 dataset. Predicted Consequence/Location: Canonical splice site: predicted to alter splicing and result in a loss or disruption of normal protein function. Multiple pathogenic loss-of-function variants are reported downstream of the variant. In silico tools predict the variant to alter splicing and produce an abnormal transcript [SpliceAI: 0.99 (spliceogenicity >=0.2, non-spliceogenicity <0.1)]. The variant has been reported to be associated with CUL3-related disorder (ClinVar ID: VCV001449007). Therefore, this variant is classified as Pathogenic according to the recommendation of ACMG/AMP guideline.

Labcorp Genetics (formerly Invitae), Labcorp
Classification: Pathogenic. Last evaluated: 2021-04-28. Review status: criteria provided, single submitter. Criteria: Invitae Variant Classification Sherloc (09022015). Collection method: clinical testing. Allele origin: germline.
Comment: This variant has been observed in individual(s) with clinical features of CUL3-related conditions (Invitae). In at least one individual the variant was observed to be de novo. This sequence change affects a donor splice site in intron 6 of the CUL3 gene. It is expected to disrupt RNA splicing. Variants that disrupt the donor or acceptor splice site typically lead to a loss of protein function (PMID: 16199547), and loss-of-function variants in CUL3 are known to be pathogenic (PMID: 32341456). This variant is not present in population databases (ExAC no frequency). For these reasons, this variant has been classified as Pathogenic.

Literature cited by the submitters: PubMed 16199547 (cited by Labcorp Genetics (formerly Invitae), Labcorp); PubMed 32341456 (cited by Labcorp Genetics (formerly Invitae), Labcorp).

NM_003590.5(CUL3):c.883+1G>T

Gene: CUL3 (cullin 3; minus strand). Cytogenetic location: 2q36.2.
Variant type: single nucleotide variant.
Coding change: c.883+1G>T on transcript NM_003590.5 (MANE Select); the canonical splice donor site of the intron after coding-DNA position 883, G replaced by T.
Molecular consequence: splice donor variant.
Genome position (GRCh38, 1-based): chr2:224,511,353, C>A on the plus strand (G>T on the coding strand, the complement: CUL3 is on the minus strand). VCF-style: chr2-224511353-C-A. GRCh37 (hg19) VCF-style: chr2-225376070-C-A.
Other names: c.685+1G>T (NM_001257197.2); c.901+1G>T (NM_001257198.2).
Identifiers: ClinVar variation 1449007 (VCV001449007.7), dbSNP rs1692819940, ClinGen allele CA350829896.